The following is an entry in ClinVar:

NM_000400.4(ERCC2):c.1501C>T (p.Gln501Ter)

Gene: ERCC2 (ERCC excision repair 2, TFIIH core complex helicase subunit; minus strand). Cytogenetic location: 19q13.32.
Variant type: single nucleotide variant.
Coding change: c.1501C>T on transcript NM_000400.4 (MANE Select); coding-DNA position 1501, C replaced by T.
Protein change: p.Gln501Ter; replaces glutamine 501 with a stop codon.
Molecular consequence: nonsense. On other transcripts: non-coding transcript variant (2).
Genome position (GRCh38, 1-based): chr19:45,355,707, G>A on the plus strand (C>T on the coding strand, the complement: ERCC2 is on the minus strand). VCF-style: chr19-45355707-G-A. GRCh37 (hg19) VCF-style: chr19-45858965-G-A.
Other names: c.1429C>T, p.Gln477Ter (NM_001440355.1); c.1423C>T, p.Gln475Ter (NM_001440356.1); c.1378C>T, p.Gln460Ter (NM_001440357.1); short protein forms Q460*, Q475*, Q477*, Q501*.
Identifiers: ClinVar variation 5013146 (VCV005013146.1).

ClinVar aggregate classification (germline): Pathogenic (1 of 4 stars; one submission).

Conditions:
ERCC2-related disorder. Also called: ERCC2-related conditions; ERCC2-related condition; ERCC2-related disorders. Identifiers: MedGen CN239291.

Submission:

Myriad Genetics, Inc.
Classification: Pathogenic for ERCC2-related disorder. Last evaluated: 2024-06-04. Review status: criteria provided, single submitter. Criteria: Myriad Autosomal Dominant, Autosomal Recessive and X-Linked Classification Criteria (2023). Collection method: clinical testing. Allele origin: unknown.
Comment: NM_000400.3(ERCC2):c.1501C>T(Q501*) is expected to be pathogenic in the context of ERCC2-related disorders. This variant is predicted to lead to an abnormal or absent protein product due to the creation of a premature termination codon in ERCC2, a gene where loss-of-function variants are known to be pathogenic. Please note: this variant was assessed in the context of healthy population screening.